The following is an entry in ClinVar:

ClinVar aggregate classification (germline): Conflicting classifications of pathogenicity. Review status: criteria provided, conflicting classifications (1 of 4 stars). 9 submissions from 9 submitters: Uncertain significance (1); Likely benign (5). 3 of the submissions do not count toward it. Last evaluated 2026-01-24.

Conditions:
OCA2-related disorder. Also called: OCA2-related condition.
Inborn genetic diseases. Identifiers: MedGen C0950123, MeSH D030342.
Tyrosinase-positive oculocutaneous albinism (OCA2). Also called: ALBINISM II; Oculocutaneous albinism type 2; Albinism, oculocutaneous, type II. Identifiers: Orphanet 79432, MedGen C0268495, MONDO:0008746, OMIM 203200.

Allele frequency attached by ClinVar (database versions not stated): 1000 Genomes Project 30x 0.00031; 1000 Genomes Project 0.00040; gnomAD exomes 0.00046; ExAC 0.00058; TOPMed 0.00066; gnomAD 0.00067 and 0.00070; ESP Exome Variant Server 0.00085.
gnomAD v4.1: 889 of 1,611,848 alleles (0.055%); highest among the groups gnomAD compares: African/African-American, 0.1%; no homozygotes.

Submissions (9):

Labcorp Genetics (formerly Invitae), Labcorp
Classification: Likely benign. Last evaluated: 2026-01-24. Review status: criteria provided, single submitter. Criteria: Invitae Variant Classification Sherloc (09022015). Collection method: clinical testing. Allele origin: germline.

Ambry Genetics
Classification: Likely benign for Inborn genetic diseases. Last evaluated: 2025-08-02. Review status: criteria provided, single submitter. Criteria: Ambry Variant Classification Scheme 2023. Collection method: clinical testing. Allele origin: germline.

CeGaT Center for Human Genetics Tuebingen
Classification: Likely benign. Last evaluated: 2025-07-01. Review status: criteria provided, single submitter. Criteria: CeGaT Center For Human Genetics Tuebingen Variant Classification Criteria Version 2. Collection method: clinical testing. Allele origin: germline. Affected: yes. Observed: 2 variant alleles.
Comment: OCA2: BP4, BP7

Blueprint Genetics
Classification: Likely benign. Last evaluated: 2024-10-18. Review status: criteria provided, single submitter. Criteria: ACMG Guidelines, 2015. Collection method: clinical testing. Allele origin: germline.

Genome-Nilou Lab
Classification: Likely benign for Tyrosinase-positive oculocutaneous albinism. Last evaluated: 2021-11-07. Review status: criteria provided, single submitter. Criteria: ACMG Guidelines, 2015. Collection method: clinical testing. Allele origin: germline. Affected: no.

Illumina Laboratory Services, Illumina
Classification: Uncertain significance for Tyrosinase-positive oculocutaneous albinism. Last evaluated: 2017-04-27. Review status: criteria provided, single submitter. Criteria: ICSL Variant Classification Criteria 13 December 2019. Collection method: clinical testing. Allele origin: germline.
Comment: This variant was observed as part of a predisposition screen in an ostensibly healthy population. A literature search was performed for the gene, cDNA change, and amino acid change (where applicable). Publications were found based on this search. However, the evidence from the literature, in combination with allele frequency data from public databases where available, was not sufficient to rule this variant in or out of causing disease. Therefore, this variant is classified as a variant of unknown significance.

PreventionGenetics, part of Exact Sciences
Classification: Likely benign for OCA2-related condition. Last evaluated: 2024-08-14. Review status: no assertion criteria provided. Collection method: clinical testing. Allele origin: germline. Not counted in ClinVar's aggregate classification.
Comment: This variant is classified as likely benign based on ACMG/AMP sequence variant interpretation guidelines (Richards et al. 2015 PMID: 25741868, with internal and published modifications).

Clinical Genetics DNA and cytogenetics Diagnostics Lab, Erasmus MC, Erasmus Medical Center
Classification: Likely benign. Review status: no assertion criteria provided. Collection method: clinical testing. Allele origin: germline. Affected: yes. Study: VKGL Data-share Consensus. Not counted in ClinVar's aggregate classification.

Clinical Genetics, Academic Medical Center
Classification: Benign. Review status: no assertion criteria provided. Collection method: clinical testing. Allele origin: germline. Affected: yes. Study: VKGL Data-share Consensus. Not counted in ClinVar's aggregate classification.

Literature cited by the submitters: PubMed 17236130 (cited by Illumina Laboratory Services, Illumina).

NM_000275.3(OCA2):c.1857C>T (p.Asp619=)

Gene: OCA2 (OCA2 melanosomal transmembrane protein; minus strand). Cytogenetic location: 15q13.1.
Variant type: single nucleotide variant.
Coding change: c.1857C>T on transcript NM_000275.3 (MANE Select); coding-DNA position 1857, C replaced by T.
Protein change: p.Asp619=; no amino-acid change (aspartic acid 619 retained).
Molecular consequence: synonymous variant.
Genome position (GRCh38, 1-based): chr15:27,951,878, G>A on the plus strand (C>T on the coding strand, the complement: OCA2 is on the minus strand). VCF-style: chr15-27951878-G-A. GRCh37 (hg19) VCF-style: chr15-28197024-G-A.
Other names: c.1785C>T, p.Asp595= (NM_001300984.2).
Identifiers: ClinVar variation 888345 (VCV000888345.40), dbSNP rs7164127, ClinGen allele CA7438867.